The following is an entry in ClinVar:

ClinVar aggregate classification (germline): Uncertain significance (1 of 4 stars; one submission).

Submission:

Labcorp Genetics (formerly Invitae), Labcorp
Classification: Uncertain significance. Last evaluated: 2023-04-22. Review status: criteria provided, single submitter. Criteria: Invitae Variant Classification Sherloc (09022015). Collection method: clinical testing. Allele origin: germline.
Comment: In summary, the available evidence is currently insufficient to determine the role of this variant in disease. Therefore, it has been classified as a Variant of Uncertain Significance. Experimental studies and prediction algorithms are not available or were not evaluated, and the functional significance of this variant is currently unknown. ClinVar contains an entry for this variant (Variation ID: 2007819). This variant has not been reported in the literature in individuals affected with MSH3-related conditions. This variant is not present in population databases (gnomAD no frequency). This variant, c.295_300del, results in the deletion of 2 amino acid(s) of the MSH3 protein (p.Lys99_Lys100del), but otherwise preserves the integrity of the reading frame.

NM_002439.5(MSH3):c.295_300del (p.Lys99_Lys100del)

Gene: MSH3 (mutS homolog 3; plus strand). Cytogenetic location: 5q14.1.
Variant type: Deletion.
Coding change: c.295_300del on transcript NM_002439.5 (MANE Select); coding-DNA positions 295 to 300, 6 bases deleted (AAGAAA; older notation c.295_300delAAGAAA).
Protein change: p.Lys99_Lys100del.
Molecular consequence: inframe deletion.
Genome position (GRCh38, 1-based): chr5:80,656,468-80,656,473, AAGAAA deleted; deleting any 6 consecutive bases within chr5:80,656,465-80,656,473 gives the same sequence; the c. name uses the placement nearest the transcript's 3' end. VCF-style (leftmost placement, unchanged base first): chr5-80656464-TAAAAAG-T. GRCh37 (hg19) VCF-style: chr5-79952283-TAAAAAG-T.
Identifiers: ClinVar variation 2007819 (VCV002007819.4), dbSNP rs2546712202, ClinGen allele CA2580073646.
Genomic context (GRCh38, chr5:80,656,464, plus strand): 5'-GATATAGGCTACAGAAATTGACAGAAGAAAGAAGAGACCATTGGAAAATGATGGGCCTGT[TAAAAAG>T]AAAGTAAAGAAAGTCCAACAAAAGGAAGGAGGAAGTGATCTGGGAATGTCTGGCAACTCT-3'